The following is an entry in ClinVar:

NM_001042492.3(NF1):c.3970A>G (p.Thr1324Ala)

Gene: NF1 (neurofibromin 1; plus strand). Cytogenetic location: 17q11.2.
Variant type: single nucleotide variant.
Coding change: c.3970A>G on transcript NM_001042492.3 (MANE Select); coding-DNA position 3970, A replaced by G.
Protein change: p.Thr1324Ala; replaces threonine 1324 with alanine.
Molecular consequence: missense variant.
Genome position (GRCh38, 1-based): chr17:31,236,017, A>G. VCF-style: chr17-31236017-A-G. GRCh37 (hg19) VCF-style: chr17-29563035-A-G.
Other names: c.3970A>G, p.Thr1324Ala (NM_000267.4); short protein forms T1324A.
Identifiers: ClinVar variation 187350 (VCV000187350.17), dbSNP rs189522993, ClinGen allele CA197424.

ClinVar aggregate classification (germline): Conflicting classifications of pathogenicity. Review status: criteria provided, conflicting classifications (1 of 4 stars). 8 submissions from 7 submitters: Uncertain significance (6); Likely benign (2). Last evaluated 2025-12-17.

Conditions:
Hereditary cancer-predisposing syndrome. Also called: Hereditary Cancer Syndrome; Neoplastic Syndromes, Hereditary; Tumor predisposition; Hereditary neoplastic syndrome. Identifiers: Orphanet 140162, MedGen C0027672, MeSH D009386, MONDO:0015356.
Cardiovascular phenotype. Identifiers: MedGen CN230736.
Neurofibromatosis, type 1 (NF1). Also called: NEUROFIBROMATOSIS, TYPE I, SOMATIC; VON RECKLINGHAUSEN DISEASE; Peripheral type neurofibromatosis; Neurofibromatosis, type I. Identifiers: Orphanet 636, MedGen C0027831, MONDO:0018975, OMIM 162200. Disease mechanism: loss of function.

Allele frequency attached by ClinVar (database versions not stated): gnomAD exomes below 0.00001 and 0.00002; gnomAD 0.00001; TOPMed 0.00002; ExAC 0.00004; 1000 Genomes Project 30x 0.00016; 1000 Genomes Project 0.00020.
gnomAD v4.1: 6 of 1,610,694 alleles (0.00037%); highest among the groups gnomAD compares: East Asian, 0.0067%; 1 homozygote.

Submissions (8):

Labcorp Genetics (formerly Invitae), Labcorp
Classification: Likely benign for Neurofibromatosis, type 1. Last evaluated: 2025-12-17. Review status: criteria provided, single submitter. Criteria: Invitae Variant Classification Sherloc (09022015). Collection method: clinical testing. Allele origin: germline.

Quest Diagnostics Nichols Institute San Juan Capistrano
Classification: Uncertain significance. Last evaluated: 2024-09-23. Review status: criteria provided, single submitter. Criteria: Quest Diagnostics criteria. Collection method: clinical testing. Allele origin: unknown.
Comment: The NF1 c.3970A>G (p.Thr1324Ala) variant has been reported in the published literature in an individual with peritoneum cancer (PMID: 30093976 (2018)). This variant has also been observed in the homozygous state in an individual with Neurofibromatosis type 1 (NF1) (PMID: 27322474 (2016)). The frequency of this variant in the general population, 0.00022 (4/18376 chromosomes in East Asian subpopulation (Genome Aggregation Database)), is higher than would generally be expected for pathogenic variants in this gene. Analysis of this variant using bioinformatics tools for the prediction of the effect of amino acid changes on protein structure and function yielded conflicting predictions that this variant is benign or damaging. Based on the available information, we are unable to determine the clinical significance of this variant.

Ambry Genetics
Classification: Likely benign for Cardiovascular phenotype; Hereditary cancer-predisposing syndrome. Last evaluated: 2023-05-16. Review status: criteria provided, single submitter. Criteria: Ambry Variant Classification Scheme 2023. Collection method: clinical testing. Allele origin: germline.

GeneDx
Classification: Uncertain significance. Last evaluated: 2022-10-12. Review status: criteria provided, single submitter. Criteria: GeneDx Variant Classification Process June 2021. Collection method: clinical testing. Allele origin: germline. Affected: yes.
Comment: Observed in individuals with a personal and family history of cancer (Chan et al., 2018); In silico analysis supports that this missense variant does not alter protein structure/function; This variant is associated with the following publications: (PMID: 27322474, 25486365, 22807134, 30093976)

Genome-Nilou Lab
Classification: Uncertain significance for Neurofibromatosis, type 1. Last evaluated: 2022-03-15. Review status: criteria provided, single submitter. Criteria: ACMG Guidelines, 2015. Collection method: clinical testing. Allele origin: germline. Affected: no.

Women's Health and Genetics/Laboratory Corporation of America, LabCorp
Classification: Uncertain significance. Last evaluated: 2021-11-22. Review status: criteria provided, single submitter. Criteria: LabCorp Variant Classification Summary - May 2015. Collection method: clinical testing. Allele origin: germline.
Comment: Variant summary: NF1 c.3970A>G (p.Thr1324Ala) results in a non-conservative amino acid change located in the Ras GTPase-activating domain (IPR001936) of the encoded protein sequence. Three of five in-silico tools predict a benign effect of the variant on protein function. The variant allele was found at a frequency of 2.4e-05 in 251224 control chromosomes in the gnomAD database, including 1 homozygote. The available data on variant occurrences in the general population are insufficient to allow any conclusion about variant significance. c.3970A>G has been reported in the literature as a VUS in settings of multigene panel testing in an individual with a personal history of peritoneal cancer and a family history or oral and colon/endometrial cancer (example, Chan_2018). These report(s) do not provide unequivocal conclusions about association of the variant with Neurofibromatosis Type 1. To our knowledge, no experimental evidence demonstrating an impact on protein function has been reported. Two clinical diagnostic laboratories have submitted clinical-significance assessments for this variant to ClinVar after 2014 without evidence for independent evaluation. All laboratories classified the variant as uncertain significance. Based on the evidence outlined above, the variant was classified as uncertain significance.

Sema4
Classification: Uncertain significance for Hereditary cancer-predisposing syndrome. Last evaluated: 2021-10-08. Review status: criteria provided, single submitter. Criteria: Sema4 Curation Guidelines. Collection method: curation. Allele origin: germline.
Comment: The NF1 c.3970A>G (p.T1324A) has been reported in at least 1 individuals with peritoneal cancer (PMID: 30093976). This variant was observed in 4/18376 chromosomes in the East Asian (EAS) population, according to the Genome Aggregation Database (PMID: 32461654). The variant has been reported in ClinVar (Variation ID: 187350). Functional studies have not been performed, and in silico predictions of the variant's effect on protein function are inconclusive. Based on the current evidence available, this variant is interpreted as a variant of uncertain significance.

Ambry Genetics
Classification: Uncertain significance for Hereditary cancer-predisposing syndrome. Last evaluated: 2014-12-10. Review status: criteria provided, single submitter. Criteria: Ambry Autosomal Dominant and X-Linked criteria (10/2015). Collection method: clinical testing. Allele origin: germline. Observed: 1 variant allele.
Comment: The p.T1324A variant (also known as c.3970A>G), located in coding exon 29 of the NF1 gene, results from an A to G substitution at nucleotide position 3970. The threonine at codon 1324 is replaced by alanine, an amino acid with similar properties. This variant was previously reported in the SNPDatabase as rs189522993. Based on data from the 1000 Genomes Project, the G allele has an overall frequency of approximately 0.05% (1/2098) total alleles studied. The highest observed frequency was 0.52% (1/194) Han Chinese alleles. This variant was not reported in the NHLBI Exome Sequencing Project (ESP) population-based cohort. To date, this alteration has been detected with an allele frequency of approximately 0.003% (greater than 30000alleles tested) in our clinical cohort.This amino acid position is highly conserved in available vertebrate species. In addition, the in silico prediction for this alteration is inconclusive.Since supporting evidence is limited at this time, the clinical significance of p.T1324Aremains unclear.

Literature cited by the submitters: PubMed 30093976 (cited by 3 submitters); PubMed 27322474 (cited by Quest Diagnostics Nichols Institute San Juan Capistrano).